The following is an entry in ClinVar:

ClinVar aggregate classification (germline): Uncertain significance (1 of 4 stars; one submission).

Allele frequency attached by ClinVar (database versions not stated): TOPMed below 0.00001; gnomAD 0.00001; ExAC 0.00004; gnomAD exomes 0.00004.
gnomAD v4.1: 56 of 1,613,442 alleles (0.0035%); highest among the groups gnomAD compares: East Asian, 0.0045%; no homozygotes.

Submission:

Labcorp Genetics (formerly Invitae), Labcorp
Classification: Uncertain significance. Last evaluated: 2022-05-06. Review status: criteria provided, single submitter. Criteria: Invitae Variant Classification Sherloc (09022015). Collection method: clinical testing. Allele origin: germline.
Comment: This sequence change replaces valine, which is neutral and non-polar, with methionine, which is neutral and non-polar, at codon 991 of the ITGB4 protein (p.Val991Met). This variant is present in population databases (rs772928070, gnomAD 0.01%). This variant has not been reported in the literature in individuals affected with ITGB4-related conditions. Algorithms developed to predict the effect of missense changes on protein structure and function output the following: SIFT: "Not Available"; PolyPhen-2: "Benign"; Align-GVGD: "Not Available". The methionine amino acid residue is found in multiple mammalian species, which suggests that this missense change does not adversely affect protein function. In summary, the available evidence is currently insufficient to determine the role of this variant in disease. Therefore, it has been classified as a Variant of Uncertain Significance.

NM_000213.5(ITGB4):c.2971G>A (p.Val991Met)

Gene: ITGB4 (integrin subunit beta 4; plus strand). Cytogenetic location: 17q25.1.
Variant type: single nucleotide variant.
Coding change: c.2971G>A on transcript NM_000213.5 (MANE Select); coding-DNA position 2971, G replaced by A.
Protein change: p.Val991Met; replaces valine 991 with methionine.
Molecular consequence: missense variant.
Genome position (GRCh38, 1-based): chr17:75,743,721, G>A. VCF-style: chr17-75743721-G-A. GRCh37 (hg19) VCF-style: chr17-73739802-G-A.
Other names: c.2971G>A, p.Val991Met (NM_001005619.2, NM_001005731.3, NM_001321123.2); short protein forms V991M.
Identifiers: ClinVar variation 1938460 (VCV001938460.2), dbSNP rs772928070, ClinGen allele CA8769660.